The following is an entry in ClinVar:

ClinVar aggregate classification (germline): Likely pathogenic (0 of 4 stars; one submission).

Conditions:
DNMT3A-related disorder. Also called: DNMT3A-related disorders; DNMT3A-related condition.

Submission:

PreventionGenetics, part of Exact Sciences
Classification: Likely pathogenic for DNMT3A-related condition. Last evaluated: 2023-11-28. Review status: no assertion criteria provided. Collection method: clinical testing. Allele origin: germline.
Comment: The DNMT3A c.1761_1762dupGC variant is predicted to result in a frameshift and premature protein termination (p.His588Argfs*64). To our knowledge, this variant has not been reported in the literature or in a large population database, indicating this variant is rare. Frameshift variants in DNMT3A are expected to be pathogenic. This variant is interpreted as likely pathogenic.

NM_022552.5(DNMT3A):c.1761_1762dup (p.His588fs)

Gene: DNMT3A (DNA methyltransferase 3 alpha; minus strand). Cytogenetic location: 2p23.3.
Variant type: Duplication.
Coding change: c.1761_1762dup on transcript NM_022552.5 (MANE Select); coding-DNA positions 1761 to 1762, 2 bases duplicated (GC; older notation c.1761_1762dupGC).
Protein change: p.His588fs; shifts the reading frame from histidine 588.
Molecular consequence: frameshift variant. On other transcripts: non-coding transcript variant (1).
Genome position (GRCh38, 1-based): chr2:25,244,244-25,244,245, GC duplicated on the plus strand (GC on the coding strand, the reverse complement: DNMT3A is on the minus strand). VCF-style (leftmost placement, unchanged base first): chr2-25244243-T-TGC. GRCh37 (hg19) VCF-style: chr2-25467112-T-TGC.
Other names: c.1305_1306dup, p.His436fs (NM_001320893.1); c.1092_1093dup, p.His365fs (NM_001375819.1); c.1194_1195dup, p.His399fs (NM_153759.3); c.1761_1762dup, p.His588fs (NM_175629.2); c.1761_1762dupGC (NM_175629.2); short protein forms H365fs, H399fs, H436fs, H588fs.
Identifiers: ClinVar variation 3348497 (VCV003348497.1).